The following is an entry in ClinVar:

ClinVar aggregate classification (germline): Conflicting classifications of pathogenicity. Review status: criteria provided, conflicting classifications (1 of 4 stars). 4 submissions from 4 submitters: Uncertain significance (2); Likely benign (1). 1 of the submissions does not count toward it. Last evaluated 2025-12-01.

Conditions:
Cardiovascular phenotype. Identifiers: MedGen CN230736.
Dystrophin deficiency.
Cardiomyopathy (CMYO). Also called: Cardiomyopathies. Identifiers: Orphanet 167848, MedGen C0878544, MONDO:0004994, HP:0001638. Inheritance: Various modes of inheritance.
Becker muscular dystrophy (BMD). Also called: Becker Muscular Dystrophy (BMD); MUSCULAR DYSTROPHY, PSEUDOHYPERTROPHIC PROGRESSIVE, BECKER TYPE. Identifiers: Orphanet 98895, MedGen C0917713, MONDO:0010311, OMIM 300376.
Duchenne muscular dystrophy (DMD). Also called: Duchenne Muscular Dystrophy (DMD); MUSCULAR DYSTROPHY, PSEUDOHYPERTROPHIC PROGRESSIVE, DUCHENNE TYPE. Identifiers: Orphanet 98896, MedGen C0013264, MONDO:0010679, OMIM 310200.

Allele frequency attached by ClinVar (database versions not stated): gnomAD exomes 0.00001; TOPMed 0.00002.
gnomAD v4.1: 8 of 1,209,258 alleles (0.00066%); highest among the groups gnomAD compares: African/African-American, 0.0087%; no homozygotes.

Submissions (4):

Labcorp Genetics (formerly Invitae), Labcorp
Classification: Uncertain significance for Duchenne muscular dystrophy. Last evaluated: 2025-12-01. Review status: criteria provided, single submitter. Criteria: Invitae Variant Classification Sherloc (09022015). Collection method: clinical testing. Allele origin: germline.
Comment: This sequence change replaces valine, which is neutral and non-polar, with isoleucine, which is neutral and non-polar, at codon 83 of the DMD protein (p.Val83Ile). This variant is present in population databases (no rsID available, gnomAD 0.005%). This variant has not been reported in the literature in individuals affected with DMD-related conditions. ClinVar contains an entry for this variant (Variation ID: 515175). Invitae Evidence Modeling of protein sequence and biophysical properties (such as structural, functional, and spatial information, amino acid conservation, physicochemical variation, residue mobility, and thermodynamic stability) indicates that this missense variant is not expected to disrupt DMD protein function with a negative predictive value of 95%. In summary, the available evidence is currently insufficient to determine the role of this variant in disease. Therefore, it has been classified as a Variant of Uncertain Significance.

Ambry Genetics
Classification: Uncertain significance for Cardiovascular phenotype. Last evaluated: 2024-04-04. Review status: criteria provided, single submitter. Criteria: Ambry Variant Classification Scheme 2023. Collection method: clinical testing. Allele origin: germline.
Comment: The p.V83I variant (also known as c.247G>A), located in coding exon 4 of the DMD gene, results from a G to A substitution at nucleotide position 247. The valine at codon 83 is replaced by isoleucine, an amino acid with highly similar properties. Based on data from gnomAD, the A allele has an overall frequency of 0.0005% (1/183353) total alleles studied, with 1 hemizygote(s) observed. The highest observed frequency was 0.0052% (1/19075) of South Asian alleles. This amino acid position is well conserved in available vertebrate species. In addition, this alteration is predicted to be tolerated by in silico analysis. Based on the available evidence, the clinical significance of this variant remains unclear.

GeneDx
Classification: Likely benign. Last evaluated: 2018-02-05. Review status: criteria provided, single submitter. Criteria: GeneDx Variant Classification (06012015). Collection method: clinical testing. Allele origin: germline. Affected: yes.
Comment: This variant is considered likely benign or benign based on one or more of the following criteria: it is a conservative change, it occurs at a poorly conserved position in the protein, it is predicted to be benign by multiple in silico algorithms, and/or has population frequency not consistent with disease.

Natera, Inc.
Classification: Likely benign for Becker muscular dystrophy; Cardiomyopathy; Duchenne muscular dystrophy; Dystrophin deficiency. Last evaluated: 2018-09-23. Review status: no assertion criteria provided. Collection method: clinical testing. Allele origin: germline. Not counted in ClinVar's aggregate classification.

NM_004006.3(DMD):c.247G>A (p.Val83Ile)

Gene: DMD (dystrophin; minus strand). Cytogenetic location: Xp21.1.
Variant type: single nucleotide variant.
Coding change: c.247G>A on transcript NM_004006.3 (MANE Select); coding-DNA position 247, G replaced by A.
Protein change: p.Val83Ile; replaces valine 83 with isoleucine.
Molecular consequence: missense variant. On other transcripts: 5 prime UTR variant (1).
Genome position (GRCh38, 1-based): chrX:32,844,800, C>T on the plus strand (G>A on the coding strand, the complement: DMD is on the minus strand). VCF-style: chrX-32844800-C-T. GRCh37 (hg19) VCF-style: chrX-32862917-C-T.
Other names: c.223G>A, p.Val75Ile (NM_000109.4); c.235G>A, p.Val79Ile (NM_004009.3); c.-123G>A (NM_004010.3); short protein forms V83I, V75I, V79I.
Identifiers: ClinVar variation 515175 (VCV000515175.5), dbSNP rs1358774744, ClinGen allele CA412674667.
Genomic context (GRCh38, chrX:32,844,800, plus strand): 5'-TGCTGTGTCACAGCATCCAGACCTTGTCCAGGGTACTACTTACATTATTGTTCTGCAAAA[C>T]CCGCAGTGCCTTGTTGACATTGTTCAGGGCATGAACTCTTGTGGATCCTTTTTCTTTTGG-3'
Protein context (NP_003997.2, residues 73-93): ALNNVNKALR[Val83Ile]LQNNNVDLVN